The following is an entry in ClinVar:

ClinVar aggregate classification (germline): Conflicting classifications of pathogenicity. Review status: criteria provided, conflicting classifications (1 of 4 stars). 3 submissions from 3 submitters: Uncertain significance (1); Likely benign (2). Last evaluated 2026-01-05.

Conditions:
Hereditary cancer-predisposing syndrome. Also called: Tumor predisposition; Hereditary Cancer Syndrome; Hereditary neoplastic syndrome; Neoplastic Syndromes, Hereditary. Identifiers: Orphanet 140162, MedGen C0027672, MeSH D009386, MONDO:0015356.
Familial adenomatous polyposis 2. Also called: COLORECTAL ADENOMATOUS POLYPOSIS, AUTOSOMAL RECESSIVE; MUTYH Polyposis; MUTYH-associated polyposis; MUTYH-related attenuated familial adenomatous polyposis; Adenomas, multiple colorectal; ADENOMAS, MULTIPLE COLORECTAL, AUTOSOMAL RECESSIVE. Identifiers: Orphanet 220460, Orphanet 247798, MedGen C3272841, MONDO:0012041, OMIM 608456.

Allele frequency attached by ClinVar (database versions not stated): gnomAD exomes below 0.00001; TOPMed below 0.00001; ExAC 0.00001.
gnomAD v4.1: 3 of 1,613,650 alleles (0.00019%); highest among the groups gnomAD compares: Non-Finnish European, 0.00025%; no homozygotes.

Submissions (3):

Labcorp Genetics (formerly Invitae), Labcorp
Classification: Likely benign for Familial adenomatous polyposis 2. Last evaluated: 2026-01-05. Review status: criteria provided, single submitter. Criteria: Invitae Variant Classification Sherloc (09022015). Collection method: clinical testing. Allele origin: germline.

Ambry Genetics
Classification: Uncertain significance for Hereditary cancer-predisposing syndrome. Last evaluated: 2024-05-07. Review status: criteria provided, single submitter. Criteria: Ambry Variant Classification Scheme 2023. Collection method: clinical testing. Allele origin: germline.
Comment: The c.1519-3C>T intronic variant results from a C to T substitution 3 nucleotides upstream from coding exon 16 in the MUTYH gene. This nucleotide position is highly conserved in available vertebrate species. In silico splice site analysis predicts that this alteration will not have any significant effect on splicing. Based on the available evidence, the clinical significance of this variant remains unclear.

All of Us Research Program, National Institutes of Health
Classification: Likely benign for Familial adenomatous polyposis 2. Last evaluated: 2023-06-26. Review status: criteria provided, single submitter. Criteria: ACMG Guidelines, 2015. Collection method: clinical testing. Allele origin: germline. Inheritance: Autosomal recessive inheritance. Observed: 1 variant allele, 1 heterozygote.
Comment: This study involves interpretation of variants in research participants for the purpose of population health screening. Participant phenotype was not available at the time of variant classification. Additional details can be found in publication PMID: 35346344, PMCID: PMC8962531

NM_001048174.2(MUTYH):c.1435-3C>T

Gene: MUTYH (mutY DNA glycosylase; minus strand). Cytogenetic location: 1p34.1.
Variant type: single nucleotide variant.
Coding change: c.1435-3C>T on transcript NM_001048174.2 (MANE Select); 3 bases into the intron before coding-DNA position 1435, C replaced by T.
Molecular consequence: intron variant.
Genome position (GRCh38, 1-based): chr1:45,329,440, G>A on the plus strand (C>T on the coding strand, the complement: MUTYH is on the minus strand). VCF-style: chr1-45329440-G-A. GRCh37 (hg19) VCF-style: chr1-45795112-G-A.
Other names: c.1090-3C>T (NM_001350651.2, NM_001350650.2); c.1159-3C>T (NM_001293192.2, NM_001293196.2); c.1435-3C>T (NM_001048171.2, NM_001048173.2, NM_001293195.2); c.1480-3C>T (NM_001293190.2); c.1510-3C>T (NM_012222.3); c.1519-3C>T (NM_001128425.2); c.1438-3C>T (NM_001048172.2); c.1468-3C>T (NM_001293191.2).
Identifiers: ClinVar variation 406836 (VCV000406836.15), dbSNP rs776766717, ClinGen allele CA056837.